The following is an entry in ClinVar:

ClinVar aggregate classification (germline): Uncertain significance (1 of 4 stars; one submission).

Allele frequency attached by ClinVar (database versions not stated): gnomAD exomes below 0.00001.
gnomAD v4.1: 1 of 1,589,438 alleles (0.000063%); highest among the groups gnomAD compares: Admixed American, 0.0017%; no homozygotes.

Submission:

Labcorp Genetics (formerly Invitae), Labcorp
Classification: Uncertain significance. Last evaluated: 2019-12-27. Review status: criteria provided, single submitter. Criteria: Invitae Variant Classification Sherloc (09022015). Collection method: clinical testing. Allele origin: germline.
Comment: In summary, the available evidence is currently insufficient to determine the role of this variant in disease. Therefore, it has been classified as a Variant of Uncertain Significance. Nucleotide substitutions within the consensus splice site are a relatively common cause of aberrant splicing (PMID: 17576681, 9536098). Algorithms developed to predict the effect of sequence changes on RNA splicing suggest that this variant may create or strengthen a splice site, but this prediction has not been confirmed by published transcriptional studies. This variant has not been reported in the literature in individuals with MSH3-related conditions. This variant is present in population databases (rs777808755, ExAC 0.009%). This sequence change falls in intron 18 of the MSH3 gene. It does not directly change the encoded amino acid sequence of the MSH3 protein, but it affects a nucleotide within the consensus splice site of the intron.

Literature cited by the submitters: PubMed 17576681; PubMed 9536098.

NM_002439.5(MSH3):c.2543+6A>G

Gene: MSH3 (mutS homolog 3; plus strand). Cytogenetic location: 5q14.1.
Variant type: single nucleotide variant.
Coding change: c.2543+6A>G on transcript NM_002439.5 (MANE Select); 6 bases into the intron after coding-DNA position 2543, A replaced by G.
Molecular consequence: intron variant.
Genome position (GRCh38, 1-based): chr5:80,787,678, A>G. VCF-style: chr5-80787678-A-G. GRCh37 (hg19) VCF-style: chr5-80083497-A-G.
Identifiers: ClinVar variation 840145 (VCV000840145.10), dbSNP rs777808755, ClinGen allele CA3328276.